The following is an entry in ClinVar:

NM_006059.4(LAMC3):c.2067G>A (p.Pro689=)

Gene: LAMC3 (laminin subunit gamma 3; plus strand). Cytogenetic location: 9q34.12.
Variant type: single nucleotide variant.
Coding change: c.2067G>A on transcript NM_006059.4 (MANE Select); coding-DNA position 2067, G replaced by A.
Protein change: p.Pro689=; no amino-acid change (proline 689 retained).
Molecular consequence: synonymous variant.
Genome position (GRCh38, 1-based): chr9:131,057,056, G>A. VCF-style: chr9-131057056-G-A. GRCh37 (hg19) VCF-style: chr9-133932443-G-A.
Identifiers: ClinVar variation 1381659 (VCV001381659.28), dbSNP rs149095454, ClinGen allele CA5287310.

ClinVar aggregate classification (germline): Likely benign. Review status: criteria provided, multiple submitters, no conflicts (2 of 4 stars). 2 submissions from 2 submitters: Likely benign (2). Last evaluated 2025-04-17.

Allele frequency attached by ClinVar (database versions not stated): ExAC 0.00002; gnomAD 0.00002; gnomAD exomes 0.00002; TOPMed 0.00003; ESP Exome Variant Server 0.00008.
gnomAD v4.1: 29 of 1,613,988 alleles (0.0018%); highest among the groups gnomAD compares: East Asian, 0.0045%; no homozygotes.

Submissions (2):

Labcorp Genetics (formerly Invitae), Labcorp
Classification: Likely benign. Last evaluated: 2025-04-17. Review status: criteria provided, single submitter. Criteria: Invitae Variant Classification Sherloc (09022015). Collection method: clinical testing. Allele origin: germline.

CeGaT Center for Human Genetics Tuebingen
Classification: Likely benign. Last evaluated: 2023-11-01. Review status: criteria provided, single submitter. Criteria: CeGaT Center For Human Genetics Tuebingen Variant Classification Criteria Version 2. Collection method: clinical testing. Allele origin: germline. Affected: yes. Observed: 1 variant allele.
Comment: LAMC3: BP4, BP7